The following is an entry in ClinVar:

NM_020806.5(GPHN):c.1733G>A (p.Gly578Asp)

Gene: GPHN (gephyrin; plus strand). Cytogenetic location: 14q23.3.
Variant type: single nucleotide variant.
Coding change: c.1733G>A on transcript NM_020806.5 (MANE Select); coding-DNA position 1733, G replaced by A.
Protein change: p.Gly578Asp; replaces glycine 578 with aspartic acid.
Molecular consequence: missense variant.
Genome position (GRCh38, 1-based): chr14:67,122,362, G>A. VCF-style: chr14-67122362-G-A. GRCh37 (hg19) VCF-style: chr14-67589079-G-A.
Other names: c.1634G>A, p.Gly545Asp (NM_001024218.2); c.1793G>A, p.Gly598Asp (NM_001377514.1); c.1763G>A, p.Gly588Asp (NM_001377515.1); c.1754G>A, p.Gly585Asp (NM_001377516.1); c.1706G>A, p.Gly569Asp (NM_001377517.1); c.1691G>A, p.Gly564Asp (NM_001377518.1); c.1673G>A, p.Gly558Asp (NM_001377519.1); short protein forms G558D, G545D, G564D, G578D, G588D, G569D, G585D, G598D.
Identifiers: ClinVar variation 2996874 (VCV002996874.3), dbSNP rs1239144590, ClinGen allele CA390259349.

ClinVar aggregate classification (germline): Uncertain significance (1 of 4 stars; one submission).

Conditions:
Sulfite oxidase deficiency due to molybdenum cofactor deficiency type C. Also called: Molybdenum cofactor deficiency, complementation group C; Molybdenum cofactor deficiency C. Identifiers: Orphanet 308400, Orphanet 833, MedGen C1854990, MONDO:0014212, OMIM 615501.

Allele frequency attached by ClinVar (database versions not stated): TOPMed below 0.00001; gnomAD 0.00001.
gnomAD v4.1: 1 of 1,612,880 alleles (0.000062%); highest among the groups gnomAD compares: Non-Finnish European, 0.000085%; no homozygotes.

Submission:

Labcorp Genetics (formerly Invitae), Labcorp
Classification: Uncertain significance for Sulfite oxidase deficiency due to molybdenum cofactor deficiency type C. Last evaluated: 2024-05-22. Review status: criteria provided, single submitter. Criteria: Invitae Variant Classification Sherloc (09022015). Collection method: clinical testing. Allele origin: germline.
Comment: This sequence change replaces glycine, which is neutral and non-polar, with aspartic acid, which is acidic and polar, at codon 578 of the GPHN protein (p.Gly578Asp). This variant is not present in population databases (gnomAD no frequency). This variant has not been reported in the literature in individuals affected with GPHN-related conditions. Advanced modeling of protein sequence and biophysical properties (such as structural, functional, and spatial information, amino acid conservation, physicochemical variation, residue mobility, and thermodynamic stability) performed at Invitae indicates that this missense variant is expected to disrupt GPHN protein function with a positive predictive value of 80%. In summary, the available evidence is currently insufficient to determine the role of this variant in disease. Therefore, it has been classified as a Variant of Uncertain Significance.